The following is an entry in ClinVar:

NM_000701.8(ATP1A1):c.598C>T (p.Pro200Ser)

Gene: ATP1A1 (ATPase Na+/K+ transporting subunit alpha 1; plus strand). Cytogenetic location: 1p13.1.
Variant type: single nucleotide variant.
Coding change: c.598C>T on transcript NM_000701.8 (MANE Select); coding-DNA position 598, C replaced by T.
Protein change: p.Pro200Ser; replaces proline 200 with serine.
Molecular consequence: missense variant.
Genome position (GRCh38, 1-based): chr1:116,388,734, C>T. VCF-style: chr1-116388734-C-T. GRCh37 (hg19) VCF-style: chr1-116931356-C-T.
Other names: c.598C>T, p.Pro200Ser (NM_001160233.2); c.505C>T, p.Pro169Ser (NM_001160234.2); short protein forms P200S, P169S.
Identifiers: ClinVar variation 4777549 (VCV004777549.1).
Genomic context (GRCh38, chr1:116,388,734, plus strand): 5'-ATAAATGCGGAGGAAGTTGTGGTTGGGGATCTGGTGGAAGTAAAAGGAGGAGACCGAATT[C>T]CTGCTGACCTCAGAATCATATCTGCAAATGGCTGCAAGGTAGCTCTTTTATTTTAACAAA-3'
Protein context (NP_000692.2, residues 190-210): LVEVKGGDRI[Pro200Ser]ADLRIISANG

ClinVar aggregate classification (germline): Uncertain significance (1 of 4 stars; one submission).

Submission:

Labcorp Genetics (formerly Invitae), Labcorp
Classification: Uncertain significance. Last evaluated: 2025-12-04. Review status: criteria provided, single submitter. Criteria: Invitae Variant Classification Sherloc (09022015). Collection method: clinical testing. Allele origin: germline.
Comment: This sequence change replaces proline, which is neutral and non-polar, with serine, which is neutral and polar, at codon 200 of the ATP1A1 protein (p.Pro200Ser). This variant is not present in population databases (gnomAD no frequency). This variant has not been reported in the literature in individuals affected with ATP1A1-related conditions. This missense change has been observed in at least one individual who was not affected with ATP1A1-related conditions (internal data). Invitae Evidence Modeling of protein sequence and biophysical properties (such as structural, functional, and spatial information, amino acid conservation, physicochemical variation, residue mobility, and thermodynamic stability) indicates that this missense variant is expected to disrupt ATP1A1 protein function with a positive predictive value of 80%. In summary, the available evidence is currently insufficient to determine the role of this variant in disease. Therefore, it has been classified as a Variant of Uncertain Significance.